The following is an entry in ClinVar:

ClinVar aggregate classification (germline): Pathogenic. Review status: reviewed by expert panel (3 of 4 stars). 2 submissions from 2 submitters: Pathogenic (1). 1 of the submissions does not count toward it. Last evaluated 2016-10-18.

Conditions:
Breast-ovarian cancer, familial, susceptibility to, 2 (BROVCA2). Also called: BRCA2 Hereditary Breast and Ovarian Cancer. Identifiers: Orphanet 145, MedGen C2675520, MONDO:0012933, OMIM 612555. Disease mechanism: loss of function.

Submissions (2):

Evidence-based Network for the Interpretation of Germline Mutant Alleles (ENIGMA)
Classification: Pathogenic for Breast-ovarian cancer, familial, susceptibility to, 2. Last evaluated: 2016-10-18. Review status: reviewed by expert panel. Criteria: ENIGMA BRCA1/2 Classification Criteria (2015). Collection method: curation. Allele origin: germline.
Comment: Variant allele predicted to encode a truncated non-functional protein.

Consortium of Investigators of Modifiers of BRCA1/2 (CIMBA), c/o University of Cambridge
Classification: Pathogenic for Breast-ovarian cancer, familial, susceptibility to, 2. Last evaluated: 2015-10-02. Review status: criteria provided, single submitter. Criteria: CIMBA Mutation Classification guidelines May 2016. Collection method: clinical testing. Allele origin: germline. Not counted in ClinVar's aggregate classification.

NM_000059.4(BRCA2):c.9354_9355del (p.Met3118fs)

Gene: BRCA2 (BRCA2 DNA repair associated; plus strand). Cytogenetic location: 13q13.1.
Variant type: Deletion.
Coding change: c.9354_9355del on transcript NM_000059.4 (MANE Select); coding-DNA positions 9354 to 9355, 2 bases deleted (GT; older notation c.9354_9355delGT).
Protein change: p.Met3118fs; shifts the reading frame from methionine 3118.
Molecular consequence: frameshift variant.
Genome position (GRCh38, 1-based): chr13:32,394,786-32,394,787, GT deleted; deleting any 2 consecutive bases within chr13:32,394,785-32,394,787 gives the same sequence; the c. name uses the placement nearest the transcript's 3' end. VCF-style (leftmost placement, unchanged base first): chr13-32394784-ATG-A. GRCh37 (hg19) VCF-style: chr13-32968921-ATG-A.
Other names: 9582delGT-ter3148; short protein forms M3118fs.
Identifiers: ClinVar variation 267156 (VCV000267156.5), dbSNP rs886040835, ClinGen allele CA10589562.